The following is an entry in ClinVar:

ClinVar aggregate classification (germline): Pathogenic (1 of 4 stars; one submission).

Submission:

Labcorp Genetics (formerly Invitae), Labcorp
Classification: Pathogenic. Last evaluated: 2024-04-25. Review status: criteria provided, single submitter. Criteria: Invitae Variant Classification Sherloc (09022015). Collection method: clinical testing. Allele origin: germline.
Comment: This sequence change creates a premature translational stop signal (p.Ile266Serfs*7) in the TOP3A gene. It is expected to result in an absent or disrupted protein product. Loss-of-function variants in TOP3A are known to be pathogenic (PMID: 30057030). This variant is present in population databases (no rsID available, gnomAD no frequency). This variant has not been reported in the literature in individuals affected with TOP3A-related conditions. For these reasons, this variant has been classified as Pathogenic.

Literature cited by the submitters: PubMed 30057030.

NM_004618.5(TOP3A):c.796del (p.Ile266fs)

Gene: TOP3A (DNA topoisomerase III alpha; minus strand). Cytogenetic location: 17p11.2.
Variant type: Deletion.
Coding change: c.796del on transcript NM_004618.5 (MANE Select); coding-DNA position 796, one base deleted (A; older notation c.796delA).
Protein change: p.Ile266fs; shifts the reading frame from isoleucine 266.
Molecular consequence: frameshift variant.
Genome position (GRCh38, 1-based): chr17:18,302,282, T deleted on the plus strand (A on the coding strand, the reverse complement: TOP3A is on the minus strand); the first of 3 consecutive T bases (chr17:18,302,282-18,302,284); deleting any one gives the same sequence. VCF-style (leftmost placement, unchanged base first): chr17-18302281-AT-A. GRCh37 (hg19) VCF-style: chr17-18205595-AT-A.
Other names: c.511del, p.Ile171fs (NM_001320759.2); short protein forms I171fs, I266fs.
Identifiers: ClinVar variation 3714403 (VCV003714403.2).